The following is an entry in ClinVar:

ClinVar aggregate classification (germline): Benign/Likely benign. Review status: criteria provided, multiple submitters, no conflicts (2 of 4 stars). 5 submissions from 5 submitters: Benign (3); Likely benign (1). 1 of the submissions does not count toward it. Last evaluated 2026-08-01.

Conditions:
Neurodevelopmental disorder with hypotonia, seizures, and absent language (NDHSAL). Identifiers: MedGen C4310643, MONDO:0014995, OMIM 617268.
HECW2-related disorder. Also called: HECW2-related condition.

Submissions (5):

CeGaT Center for Human Genetics Tuebingen
Classification: Benign. Last evaluated: 2026-08-01. Review status: criteria provided, single submitter. Criteria: CeGaT Center For Human Genetics Tuebingen Variant Classification Criteria Version 2. Collection method: clinical testing. Allele origin: germline. Affected: yes. Observed: 33 variant alleles.
Comment: HECW2: PM4:Supporting, BS1, BS2

Blueprint Genetics
Classification: Likely benign. Last evaluated: 2024-11-26. Review status: criteria provided, single submitter. Criteria: ACMG Guidelines, 2015. Collection method: clinical testing. Allele origin: germline.

ARUP Laboratories, Molecular Genetics and Genomics, ARUP Laboratories
Classification: Benign for Neurodevelopmental disorder with hypotonia, seizures, and absent language. Last evaluated: 2024-08-29. Review status: criteria provided, single submitter. Criteria: ARUP Molecular Germline Variant Investigation Process 2024. Collection method: clinical testing. Allele origin: germline.

Labcorp Genetics (formerly Invitae), Labcorp
Classification: Benign. Last evaluated: 2019-02-26. Review status: criteria provided, single submitter. Criteria: Invitae Variant Classification Sherloc (09022015). Collection method: clinical testing. Allele origin: germline.

PreventionGenetics, part of Exact Sciences
Classification: Benign for HECW2-related condition. Last evaluated: 2019-10-11. Review status: no assertion criteria provided. Collection method: clinical testing. Allele origin: germline. Not counted in ClinVar's aggregate classification.
Comment: This variant is classified as benign based on ACMG/AMP sequence variant interpretation guidelines (Richards et al. 2015 PMID: 25741868, with internal and published modifications).

NM_001348768.2(HECW2):c.1341GAG[1] (p.Arg448del)

Gene: HECW2 (HECT, C2 and WW domain containing E3 ubiquitin protein ligase 2; minus strand). Cytogenetic location: 2q32.3.
Variant type: Microsatellite.
Coding change: c.1341GAG[1] on transcript NM_001348768.2 (MANE Select); one copy of the 3-base unit GAG starting at c.1341; the reference has two copies in a row; one copy, 3 bases deleted.
Protein change: p.Arg448del; deletes arginine 448.
Molecular consequence: inframe deletion.
Genome position (GRCh38, 1-based): chr2:196,319,544-196,319,546, CTC deleted on the plus strand (GAG on the coding strand, the reverse complement: HECW2 is on the minus strand); deleting any 3 consecutive bases within chr2:196,319,544-196,319,549 gives the same sequence; the position shown is the placement nearest the transcript's 3' end. VCF-style (leftmost placement, unchanged base first): chr2-196319543-ACTC-A. GRCh37 (hg19) VCF-style: chr2-197184267-ACTC-A.
Other names: c.1344_1346delGAG (NM_020760.2); c.273GAG[1], p.Arg92del (NM_001304840.3); c.1341GAG[1], p.Arg448del (NM_020760.4); short protein forms R92del, R448del.
Identifiers: ClinVar variation 780025 (VCV000780025.38), dbSNP rs562760525, ClinGen allele CA2038340.